The following is an entry in ClinVar:

NM_001852.4(COL9A2):c.1088C>T (p.Ser363Phe)

Gene: COL9A2 (collagen type IX alpha 2 chain; minus strand). Cytogenetic location: 1p34.2.
Variant type: single nucleotide variant.
Coding change: c.1088C>T on transcript NM_001852.4 (MANE Select); coding-DNA position 1088, C replaced by T.
Protein change: p.Ser363Phe; replaces serine 363 with phenylalanine.
Molecular consequence: missense variant.
Genome position (GRCh38, 1-based): chr1:40,305,734, G>A on the plus strand (C>T on the coding strand, the complement: COL9A2 is on the minus strand). VCF-style: chr1-40305734-G-A. GRCh37 (hg19) VCF-style: chr1-40771406-G-A.
Other names: c.1088C>T (NM_001852.3); short protein forms S363F.
Identifiers: ClinVar variation 2004097 (VCV002004097.6), dbSNP rs767484378, ClinGen allele CA339851050.

ClinVar aggregate classification (germline): Uncertain significance. Review status: criteria provided, multiple submitters, no conflicts (2 of 4 stars). 2 submissions from 2 submitters: Uncertain significance (2). Last evaluated 2025-12-06.

gnomAD v4.1: 17 of 1,614,148 alleles (0.0011%); highest among the groups gnomAD compares: Non-Finnish European, 0.0014%; no homozygotes.

Submissions (2):

Labcorp Genetics (formerly Invitae), Labcorp
Classification: Uncertain significance. Last evaluated: 2025-12-06. Review status: criteria provided, single submitter. Criteria: Invitae Variant Classification Sherloc (09022015). Collection method: clinical testing. Allele origin: germline.
Comment: This sequence change replaces serine, which is neutral and polar, with phenylalanine, which is neutral and non-polar, at codon 363 of the COL9A2 protein (p.Ser363Phe). This variant is not present in population databases (gnomAD no frequency). This variant has not been reported in the literature in individuals affected with COL9A2-related conditions. ClinVar contains an entry for this variant (Variation ID: 2004097). Invitae Evidence Modeling of protein sequence and biophysical properties (such as structural, functional, and spatial information, amino acid conservation, physicochemical variation, residue mobility, and thermodynamic stability) indicates that this missense variant is not expected to disrupt COL9A2 protein function with a negative predictive value of 95%. In summary, the available evidence is currently insufficient to determine the role of this variant in disease. Therefore, it has been classified as a Variant of Uncertain Significance.

GeneDx
Classification: Uncertain significance. Last evaluated: 2024-05-28. Review status: criteria provided, single submitter. Criteria: GeneDx Variant Classification Process June 2021. Collection method: clinical testing. Allele origin: germline.
Comment: Has not been previously published as pathogenic or benign to our knowledge; Not observed at significant frequency in large population cohorts (gnomAD); In silico analysis indicates that this missense variant does not alter protein structure/function